The following is an entry in ClinVar:

ClinVar aggregate classification (germline): Uncertain significance (1 of 4 stars; one submission).

Conditions:
Inborn genetic diseases. Identifiers: MedGen C0950123, MeSH D030342.

Submission:

Ambry Genetics
Classification: Uncertain significance for Inborn genetic diseases. Last evaluated: 2026-05-14. Review status: criteria provided, single submitter. Criteria: Ambry Variant Classification Scheme 2023. Collection method: clinical testing. Allele origin: germline.
Comment: The p.I1280V variant (also known as c.3838A>G), located in coding exon 13 of the ASXL1 gene, results from an A to G substitution at nucleotide position 3838. The isoleucine at codon 1280 is replaced by valine, an amino acid with highly similar properties. This amino acid position is conserved. In addition, this alteration is predicted to be tolerated by in silico analysis. Based on the available evidence, the clinical significance of this variant remains unclear.

NM_015338.6(ASXL1):c.3838A>G (p.Ile1280Val)

Gene: ASXL1 (ASXL transcriptional regulator 1; plus strand). Cytogenetic location: 20q11.21.
Variant type: single nucleotide variant.
Coding change: c.3838A>G on transcript NM_015338.6 (MANE Select); coding-DNA position 3838, A replaced by G.
Protein change: p.Ile1280Val; replaces isoleucine 1280 with valine.
Molecular consequence: missense variant.
Genome position (GRCh38, 1-based): chr20:32,436,550, A>G. VCF-style: chr20-32436550-A-G. GRCh37 (hg19) VCF-style: chr20-31024353-A-G.
Other names: c.3655A>G, p.Ile1219Val (NM_001363734.1); short protein forms I1219V, I1280V.
Identifiers: ClinVar variation 4864549 (VCV004864549.1).